The following is an entry in ClinVar:

NM_016616.5(NME8):c.1348C>T (p.Leu450Phe)

Gene: NME8 (NME/NM23 family member 8; plus strand). Cytogenetic location: 7p14.1.
Variant type: single nucleotide variant.
Coding change: c.1348C>T on transcript NM_016616.5 (MANE Select); coding-DNA position 1348, C replaced by T.
Protein change: p.Leu450Phe; replaces leucine 450 with phenylalanine.
Molecular consequence: missense variant.
Genome position (GRCh38, 1-based): chr7:37,888,377, C>T. VCF-style: chr7-37888377-C-T. GRCh37 (hg19) VCF-style: chr7-37927979-C-T.
Other names: short protein forms L450F.
Identifiers: ClinVar variation 4713407 (VCV004713407.1).
Genomic context (GRCh38, chr7:37,888,377, plus strand): 5'-CAGTTGTATGGCAGCGATTCATTAGAAACCGCTGAAAGGGAAATACAGCATTTCTTTCCT[C>T]TTCAAAGCACTTTAGGCTTGATTAAACCTCATGCAACAAGTGAACAAAGAGGTAAATATT-3'
Protein context (NP_057700.3, residues 440-460): AEREIQHFFP[Leu450Phe]QSTLGLIKPH

ClinVar aggregate classification (germline): Uncertain significance (1 of 4 stars; one submission).

Conditions:
Primary ciliary dyskinesia 6. Also called: Primary Ciliary Dyskinesia 6: TXNDC3-Related Primary Ciliary Dyskinesia. Identifiers: Orphanet 244, MedGen C1970506, MONDO:0012571, OMIM 610852.

gnomAD v4.1: 18 of 1,613,264 alleles (0.0011%); highest among the groups gnomAD compares: South Asian, 0.0099%; no homozygotes.

Submission:

Labcorp Genetics (formerly Invitae), Labcorp
Classification: Uncertain significance for Primary ciliary dyskinesia 6. Last evaluated: 2025-07-10. Review status: criteria provided, single submitter. Criteria: Invitae Variant Classification Sherloc (09022015). Collection method: clinical testing. Allele origin: germline.
Comment: This sequence change replaces leucine, which is neutral and non-polar, with phenylalanine, which is neutral and non-polar, at codon 450 of the NME8 protein (p.Leu450Phe). This variant is not present in population databases (gnomAD no frequency). This variant has not been reported in the literature in individuals affected with NME8-related conditions. Invitae Evidence Modeling of protein sequence and biophysical properties (such as structural, functional, and spatial information, amino acid conservation, physicochemical variation, residue mobility, and thermodynamic stability) indicates that this missense variant is not expected to disrupt NME8 protein function with a negative predictive value of 80%. In summary, the available evidence is currently insufficient to determine the role of this variant in disease. Therefore, it has been classified as a Variant of Uncertain Significance.